The following is an entry in ClinVar:

ClinVar aggregate classification (germline): Pathogenic. Review status: criteria provided, single submitter (1 of 4 stars). 2 submissions from 2 submitters: Pathogenic (1). 1 of the submissions does not count toward it. Last evaluated 2025-06-04.

Conditions:
Baller-Gerold syndrome (BGS). Also called: CRANIOSYNOSTOSIS WITH RADIAL DEFECTS. Identifiers: Orphanet 1225, MedGen C0265308, MONDO:0009039, OMIM 218600.

Submissions (2):

Labcorp Genetics (formerly Invitae), Labcorp
Classification: Pathogenic for Baller-Gerold syndrome. Last evaluated: 2025-06-04. Review status: criteria provided, single submitter. Criteria: Invitae Variant Classification Sherloc (09022015). Collection method: clinical testing. Allele origin: germline.
Comment: This sequence change creates a premature translational stop signal (p.Glu714Alafs*94) in the RECQL4 gene. It is expected to result in an absent or disrupted protein product. Loss-of-function variants in RECQL4 are known to be pathogenic (PMID: 12734318, 12952869). This variant is present in population databases (rs746222099, gnomAD 0.001%). This premature translational stop signal has been observed in individual(s) with clinical features of Baller-Gerold syndrome (PMID: 25966250). ClinVar contains an entry for this variant (Variation ID: 958628). For these reasons, this variant has been classified as Pathogenic.

GeneReviews
No classification provided. Condition: Baller-Gerold syndrome. Review status: no classification provided. Collection method: literature only. Allele origin: germline. Not counted in ClinVar's aggregate classification.

Literature cited by the submitters: PubMed 12734318 (cited by Labcorp Genetics (formerly Invitae), Labcorp); PubMed 12952869 (cited by Labcorp Genetics (formerly Invitae), Labcorp); PubMed 25966250 (cited by Labcorp Genetics (formerly Invitae), Labcorp); NCBI Bookshelf NBK1204 (cited by GeneReviews).

NM_004260.4(RECQL4):c.2141_2142del (p.Glu714fs)

Gene: RECQL4 (RecQ like helicase 4; minus strand). Cytogenetic location: 8q24.3.
Variant type: Microsatellite.
Coding change: c.2141_2142del on transcript NM_004260.4 (MANE Select); coding-DNA positions 2141 to 2142, 2 bases deleted (AG; older notation c.2141_2142delAG).
Protein change: p.Glu714fs; shifts the reading frame from glutamic acid 714.
Molecular consequence: frameshift variant.
Genome position (GRCh38, 1-based): chr8:144,513,629-144,513,630, CT deleted on the plus strand (AG on the coding strand, the reverse complement: RECQL4 is on the minus strand); deleting any 2 consecutive bases within chr8:144,513,629-144,513,632 gives the same sequence; the c. name uses the placement nearest the transcript's 3' end. VCF-style (leftmost placement, unchanged base first): chr8-144513628-GCT-G. GRCh37 (hg19) VCF-style: chr8-145739012-GCT-G.
Other names: short protein forms E714fs.
Identifiers: ClinVar variation 958628 (VCV000958628.8), dbSNP rs746222099, ClinGen allele CA4948449.